The following is an entry in ClinVar:

NC_000013.10:g.(?_41367353)_(41367427_?)del

Gene: SLC25A15 (solute carrier family 25 member 15; plus strand). Cytogenetic location: 13q14.11.
Variant type: Deletion.
Identifiers: ClinVar variation 1071974 (VCV001071974.5).

ClinVar aggregate classification (germline): Pathogenic (1 of 4 stars; one submission).

Conditions:
Hyperornithinemia-hyperammonemia-homocitrullinuria syndrome (HHHS). Also called: Ornithine translocase deficiency; HHH SYNDROME. Identifiers: Orphanet 415, MedGen C0268540, MONDO:0009393, OMIM 238970.

Submission:

Labcorp Genetics (formerly Invitae), Labcorp
Classification: Pathogenic for Hyperornithinemia-hyperammonemia-homocitrullinuria syndrome. Last evaluated: 2022-06-19. Review status: criteria provided, single submitter. Criteria: Invitae Variant Classification Sherloc (09022015). Collection method: clinical testing. Allele origin: germline.
Comment: This variant is a gross deletion of the genomic region encompassing exon(s) 2 of the SLC25A15 gene, which includes the initiator codon. This deletion extends beyond the assayed region for this gene and therefore may encompass additional genes. It is expected to result in an absent or disrupted protein product. Loss-of-function variants in SLC25A15 are known to be pathogenic (PMID: 11552031, 19242930). This variant has not been reported in the literature in individuals affected with SLC25A15-related conditions. For these reasons, this variant has been classified as Pathogenic.

Literature cited by the submitters: PubMed 11552031; PubMed 19242930.